The following is an entry in ClinVar:

NM_001367624.2(ZNF469):c.11853T>C (p.Ala3951=)

Gene: ZNF469 (zinc finger protein 469; plus strand). Cytogenetic location: 16q24.2.
Variant type: single nucleotide variant.
Coding change: c.11853T>C on transcript NM_001367624.2 (MANE Select); coding-DNA position 11853, T replaced by C.
Protein change: p.Ala3951=; no amino-acid change (alanine 3951 retained).
Molecular consequence: synonymous variant.
Genome position (GRCh38, 1-based): chr16:88,439,323, T>C. VCF-style: chr16-88439323-T-C. GRCh37 (hg19) VCF-style: chr16-88505731-T-C.
Other names: NM_001127464.1:c.11769T>C.
Identifiers: ClinVar variation 1740653 (VCV001740653.8), dbSNP rs927419218, ClinGen allele CA286388630.

ClinVar aggregate classification (germline): Likely benign. Review status: criteria provided, multiple submitters, no conflicts (2 of 4 stars). 3 submissions from 3 submitters: Likely benign (3). Last evaluated 2026-04-20.

Conditions:
Cardiovascular phenotype. Identifiers: MedGen CN230736.

Allele frequency attached by ClinVar (database versions not stated): gnomAD exomes below 0.00001; TOPMed 0.00004; gnomAD 0.00005.
gnomAD v4.1: 11 of 1,550,194 alleles (0.00071%); highest among the groups gnomAD compares: African/African-American, 0.012%; no homozygotes.

Submissions (3):

Women's Health and Genetics/Laboratory Corporation of America, LabCorp
Classification: Likely benign. Last evaluated: 2026-04-20. Review status: criteria provided, single submitter. Criteria: LabCorp Variant Classification Summary - May 2015. Collection method: clinical testing. Allele origin: germline.
Comment: Variant summary: ZNF469 c.11853T>C results in a synonymous change. Consensus agreement among computation tools predict no significant impact on normal splicing. However, these predictions have yet to be confirmed by functional studies. The variant was absent in 151570 control chromosomes. The available data on variant occurrences in the general population are insufficient to allow any conclusion about variant significance. To our knowledge, no occurrence of c.11853T>C in individuals affected with ZNF469-related conditions and no experimental evidence demonstrating its impact on protein function have been reported. ClinVar contains an entry for this variant (Variation ID: 1740653). Based on the evidence outlined above, the variant was classified as likely benign.

Labcorp Genetics (formerly Invitae), Labcorp
Classification: Likely benign. Last evaluated: 2023-08-16. Review status: criteria provided, single submitter. Criteria: Invitae Variant Classification Sherloc (09022015). Collection method: clinical testing. Allele origin: germline.

Ambry Genetics
Classification: Likely benign for Cardiovascular phenotype. Last evaluated: 2021-07-01. Review status: criteria provided, single submitter. Criteria: Ambry Variant Classification Scheme 2023. Collection method: clinical testing. Allele origin: germline.